The following is an entry in ClinVar:

ClinVar aggregate classification (germline): Likely benign. Review status: criteria provided, multiple submitters, no conflicts (2 of 4 stars). 5 submissions from 5 submitters: Likely benign (4). 1 of the submissions does not count toward it. Last evaluated 2025-08-07.

Conditions:
Renal coloboma syndrome (PAPRS). Also called: COLOBOMA OF OPTIC NERVE WITH RENAL DISEASE; CONGENITAL ANOMALIES OF THE KIDNEY AND URINARY TRACT WITH OR WITHOUT OCULAR ABNORMALITIES; CAKUT WITH OR WITHOUT OCULAR ABNORMALITIES; PAPILLORENAL SYNDROME; OPTIC COLOBOMA, VESICOURETERAL REFLUX, AND RENAL ANOMALIES; OPTIC NERVE COLOBOMA WITH RENAL DISEASE. Identifiers: Orphanet 1475, MedGen C1852759, MONDO:0007352, OMIM 120330.
Focal segmental glomerulosclerosis 7 (FSGS7). Identifiers: Orphanet 656, MedGen C4014925, MONDO:0014451, OMIM 616002.
PAX2-Related Disorder. Also called: PAX2-related disorders. Identifiers: MedGen CN381309.

Allele frequency attached by ClinVar (database versions not stated): gnomAD exomes 0.00003 and 0.00009; ExAC 0.00009; ESP Exome Variant Server 0.00031; TOPMed 0.00035; gnomAD 0.00036 and 0.00040.

Submissions (5):

Labcorp Genetics (formerly Invitae), Labcorp
Classification: Likely benign for Renal coloboma syndrome; Focal segmental glomerulosclerosis 7. Last evaluated: 2025-08-07. Review status: criteria provided, single submitter. Criteria: Invitae Variant Classification Sherloc (09022015). Collection method: clinical testing. Allele origin: germline.

Blueprint Genetics
Classification: Likely benign. Last evaluated: 2024-02-16. Review status: criteria provided, single submitter. Criteria: ACMG Guidelines, 2015. Collection method: clinical testing. Allele origin: germline.

Fulgent Genetics
Classification: Likely benign for Renal coloboma syndrome; Focal segmental glomerulosclerosis 7. Last evaluated: 2022-02-03. Review status: criteria provided, single submitter. Criteria: ACMG Guidelines, 2015. Collection method: clinical testing. Allele origin: unknown.

Breakthrough Genomics
Classification: Likely benign. Review status: criteria provided, single submitter. Criteria: ACMG Guidelines, 2015. Collection method: not provided. Allele origin: germline. Inheritance: Autosomal dominant inheritance. Affected: yes.

PreventionGenetics, part of Exact Sciences
Classification: Likely benign for PAX2-related condition. Last evaluated: 2020-03-27. Review status: no assertion criteria provided. Collection method: clinical testing. Allele origin: germline. Not counted in ClinVar's aggregate classification.
Comment: This variant is classified as likely benign based on ACMG/AMP sequence variant interpretation guidelines (Richards et al. 2015 PMID: 25741868, with internal and published modifications).

NM_000278.5(PAX2):c.354C>T (p.Leu118=)

Gene: PAX2 (paired box 2; plus strand). Cytogenetic location: 10q24.31.
Variant type: single nucleotide variant.
Coding change: c.354C>T on transcript NM_000278.5 (MANE Select); coding-DNA position 354, C replaced by T.
Protein change: p.Leu118=; no amino-acid change (leucine 118 retained).
Molecular consequence: synonymous variant.
Genome position (GRCh38, 1-based): chr10:100,750,835, C>T. VCF-style: chr10-100750835-C-T. GRCh37 (hg19) VCF-style: chr10-102510592-C-T.
Other names: c.447C>T, p.Leu149= (NM_001304569.2); c.354C>T, p.Leu118= (NM_003987.5, NM_003988.5, NM_003989.5 and 1 more transcripts).
Identifiers: ClinVar variation 712771 (VCV000712771.14), dbSNP rs142934523, ClinGen allele CA5650703.